The following is an entry in ClinVar:

NM_138387.4(G6PC3):c.208A>C (p.Ile70Leu)

Genes: G6PC3 (glucose-6-phosphatase catalytic subunit 3; plus strand), LOC130060959 (ATAC-STARR-seq lymphoblastoid active region 12250; plus strand). Cytogenetic location: 17q21.31.
Variant type: single nucleotide variant.
Coding change: c.208A>C on transcript NM_138387.4 (MANE Select); coding-DNA position 208, A replaced by C.
Protein change: p.Ile70Leu; replaces isoleucine 70 with leucine.
Molecular consequence: missense variant. On other transcripts: 5 prime UTR variant (3), intron variant (1).
Genome position (GRCh38, 1-based): chr17:44,071,173, A>C. VCF-style: chr17-44071173-A-C. GRCh37 (hg19) VCF-style: chr17-42148541-A-C.
Other names: c.208A>C, p.Ile70Leu (NM_001319945.2); c.-197A>C (NM_001384165.1); c.-332A>C (NM_001384166.1); c.-322A>C (NM_001384167.1); c.-311-455A>C (NM_001384168.1); short protein forms I70L.
Identifiers: ClinVar variation 3852368 (VCV003852368.1).

ClinVar aggregate classification (germline): Uncertain significance (1 of 4 stars; one submission).

Conditions:
Inborn genetic diseases. Identifiers: MedGen C0950123, MeSH D030342.

Submission:

Ambry Genetics
Classification: Uncertain significance for Inborn genetic diseases. Last evaluated: 2025-02-11. Review status: criteria provided, single submitter. Criteria: Ambry Variant Classification Scheme 2023. Collection method: clinical testing. Allele origin: germline.
Comment: The p.I70L variant (also known as c.208A>C), located in coding exon 1 of the G6PC3 gene, results from an A to C substitution at nucleotide position 208. The isoleucine at codon 70 is replaced by leucine, an amino acid with highly similar properties. This amino acid position is conserved. In addition, this alteration is predicted to be tolerated by in silico analysis. Based on the available evidence, the clinical significance of this variant remains unclear.